The following is an entry in ClinVar:

NM_020461.4(TUBGCP6):c.4317C>T (p.Ser1439=)

Gene: TUBGCP6 (tubulin gamma complex component 6; minus strand). Cytogenetic location: 22q13.33.
Variant type: single nucleotide variant.
Coding change: c.4317C>T on transcript NM_020461.4 (MANE Select); coding-DNA position 4317, C replaced by T.
Protein change: p.Ser1439=; no amino-acid change (serine 1439 retained).
Molecular consequence: synonymous variant.
Genome position (GRCh38, 1-based): chr22:50,219,455, G>A on the plus strand (C>T on the coding strand, the complement: TUBGCP6 is on the minus strand). VCF-style: chr22-50219455-G-A. GRCh37 (hg19) VCF-style: chr22-50657884-G-A.
Identifiers: ClinVar variation 709382 (VCV000709382.34), dbSNP rs79022493, ClinGen allele CA10307548.

ClinVar aggregate classification (germline): Benign/Likely benign. Review status: criteria provided, multiple submitters, no conflicts (2 of 4 stars). 4 submissions from 4 submitters: Benign (1); Likely benign (2). 1 of the submissions does not count toward it. Last evaluated 2026-09-01.

Conditions:
TUBGCP6-related disorder. Also called: TUBGCP6-related condition.

Allele frequency attached by ClinVar (database versions not stated): ESP Exome Variant Server 0.00024; TOPMed 0.00100; 1000 Genomes Project 0.00140; 1000 Genomes Project 30x 0.00141.
gnomAD v4.1: 1,892 of 1,580,528 alleles (0.12%); highest among the groups gnomAD compares: East Asian, 0.5%; 20 homozygotes.

Submissions (4):

CeGaT Center for Human Genetics Tuebingen
Classification: Likely benign. Last evaluated: 2026-09-01. Review status: criteria provided, single submitter. Criteria: CeGaT Center For Human Genetics Tuebingen Variant Classification Criteria Version 2. Collection method: clinical testing. Allele origin: germline. Affected: yes. Observed: 2 variant alleles.
Comment: TUBGCP6: BP4, BP7

Labcorp Genetics (formerly Invitae), Labcorp
Classification: Benign. Last evaluated: 2026-01-14. Review status: criteria provided, single submitter. Criteria: Invitae Variant Classification Sherloc (09022015). Collection method: clinical testing. Allele origin: germline.

Blueprint Genetics
Classification: Likely benign. Last evaluated: 2024-11-14. Review status: criteria provided, single submitter. Criteria: ACMG Guidelines, 2015. Collection method: clinical testing. Allele origin: germline.

PreventionGenetics, part of Exact Sciences
Classification: Likely benign for TUBGCP6-related condition. Last evaluated: 2020-02-19. Review status: no assertion criteria provided. Collection method: clinical testing. Allele origin: germline. Not counted in ClinVar's aggregate classification.
Comment: This variant is classified as likely benign based on ACMG/AMP sequence variant interpretation guidelines (Richards et al. 2015 PMID: 25741868, with internal and published modifications).